The following is an entry in ClinVar:

NM_000088.4(COL1A1):c.2254G>A (p.Gly752Ser)

Gene: COL1A1 (collagen type I alpha 1 chain; minus strand). Cytogenetic location: 17q21.33.
Variant type: single nucleotide variant.
Coding change: c.2254G>A on transcript NM_000088.4 (MANE Select); coding-DNA position 2254, G replaced by A.
Protein change: p.Gly752Ser; replaces glycine 752 with serine.
Molecular consequence: missense variant.
Genome position (GRCh38, 1-based): chr17:50,190,906, C>T on the plus strand (G>A on the coding strand, the complement: COL1A1 is on the minus strand). VCF-style: chr17-50190906-C-T. GRCh37 (hg19) VCF-style: chr17-48268267-C-T.
Other names: short protein forms G752S.
Identifiers: ClinVar variation 4800888 (VCV004800888.1).

ClinVar aggregate classification (germline): Likely pathogenic (1 of 4 stars; one submission).

Conditions:
Osteogenesis imperfecta type I (OI1). Also called: OI, TYPE I; OSTEOGENESIS IMPERFECTA TARDA; OSTEOGENESIS IMPERFECTA WITH BLUE SCLERAE; Lobstein's Disease; Osteogenesis imperfecta type 1; Classic Non-deforming Osteogenesis Imperfecta with Blue Sclerae. Identifiers: Orphanet 216796, Orphanet 666, MedGen C0023931, MONDO:0008146, OMIM 166200. Disease mechanism: loss of function.

Submission:

Labcorp Genetics (formerly Invitae), Labcorp
Classification: Likely pathogenic for Osteogenesis imperfecta type I. Last evaluated: 2025-07-15. Review status: criteria provided, single submitter. Criteria: Invitae Variant Classification Sherloc (09022015). Collection method: clinical testing. Allele origin: germline.
Comment: This sequence change replaces glycine, which is neutral and non-polar, with serine, which is neutral and polar, at codon 752 of the COL1A1 protein (p.Gly752Ser). This variant is not present in population databases (gnomAD no frequency). This variant has not been reported in the literature in individuals affected with COL1A1-related conditions. Invitae Evidence Modeling of protein sequence and biophysical properties (such as structural, functional, and spatial information, amino acid conservation, physicochemical variation, residue mobility, and thermodynamic stability) indicates that this missense variant is expected to disrupt COL1A1 protein function with a positive predictive value of 95%. This variant disrupts the triple helix domain of COL1A1. Glycine residues within the Gly-Xaa-Yaa repeats of the triple helix domain are required for the structure and stability of fibrillar collagens (PMID: 7695699, 8218237, 19344236). In COL1A1, variants affecting these glycine residues are significantly enriched in individuals with disease (PMID: 9016532, 17078022) compared to the general population (ExAC). In summary, the currently available evidence indicates that the variant is pathogenic, but additional data are needed to prove that conclusively. Therefore, this variant has been classified as Likely Pathogenic.

Literature cited by the submitters: PubMed 7695699; PubMed 8218237; PubMed 19344236; PubMed 9016532; PubMed 17078022.